The following is an entry in ClinVar:

NM_000535.7(PMS2):c.2209G>A (p.Ala737Thr)

Gene: PMS2 (PMS1 homolog 2, mismatch repair system component; minus strand). Cytogenetic location: 7p22.1.
Variant type: single nucleotide variant.
Coding change: c.2209G>A on transcript NM_000535.7 (MANE Select); coding-DNA position 2209, G replaced by A.
Protein change: p.Ala737Thr; replaces alanine 737 with threonine.
Molecular consequence: missense variant. On other transcripts: non-coding transcript variant (1).
Genome position (GRCh38, 1-based): chr7:5,978,662, C>T on the plus strand (G>A on the coding strand, the complement: PMS2 is on the minus strand). VCF-style: chr7-5978662-C-T. GRCh37 (hg19) VCF-style: chr7-6018293-C-T.
Other names: c.1804G>A, p.Ala602Thr (NM_001322003.2, NM_001322004.2, NM_001322005.2 and 1 more transcripts); c.2053G>A, p.Ala685Thr (NM_001322006.2); c.1891G>A, p.Ala631Thr (NM_001322007.2, NM_001322008.2); c.1648G>A, p.Ala550Thr (NM_001322010.2); c.1276G>A, p.Ala426Thr (NM_001322011.2, NM_001322012.2); c.1636G>A, p.Ala546Thr (NM_001322013.2); c.2209G>A, p.Ala737Thr (NM_001322014.2); c.1900G>A, p.Ala634Thr (NM_001322015.2); short protein forms A685T, A737T, A631T, A426T, A546T, A550T, A602T, A634T.
Identifiers: ClinVar variation 820894 (VCV000820894.13), dbSNP rs1583285937, ClinGen allele CA366736806.
Genomic context (GRCh38, chr7:5,978,662, plus strand): 5'-CATCGATAACAAAATCAAAGCCATTCTTTCTAAATATTTCCAGATTTTCTATCAGAACAG[C>T]TTCATTAACAGCAGTTAAGTTGAGAGTCTGAGGTCTGAAAAACACAAAAATGATTCAAAC-3'
Protein context (NP_000526.2, residues 727-747): QTLNLTAVNE[Ala737Thr]VLIENLEIFR

ClinVar aggregate classification (germline): Uncertain significance. Review status: criteria provided, multiple submitters, no conflicts (2 of 4 stars). 2 submissions from 2 submitters: Uncertain significance (2). Last evaluated 2025-10-23.

Conditions:
Hereditary nonpolyposis colorectal neoplasms. Identifiers: MedGen C0009405, MeSH D003123.
Hereditary cancer-predisposing syndrome. Also called: Neoplastic Syndromes, Hereditary; Tumor predisposition; Hereditary Cancer Syndrome; Hereditary neoplastic syndrome. Identifiers: Orphanet 140162, MedGen C0027672, MeSH D009386, MONDO:0015356.

Submissions (2):

Labcorp Genetics (formerly Invitae), Labcorp
Classification: Uncertain significance for Hereditary nonpolyposis colorectal neoplasms. Last evaluated: 2025-10-23. Review status: criteria provided, single submitter. Criteria: Invitae Variant Classification Sherloc (09022015). Collection method: clinical testing. Allele origin: germline.
Comment: This sequence change replaces alanine, which is neutral and non-polar, with threonine, which is neutral and polar, at codon 737 of the PMS2 protein (p.Ala737Thr). The frequency data for this variant in the population databases (gnomAD) is considered unreliable due to the presence of homologous sequence, such as pseudogenes or paralogs, in the genome. This variant has not been reported in the literature in individuals affected with PMS2-related conditions. ClinVar contains an entry for this variant (Variation ID: 820894). Invitae Evidence Modeling incorporating data from in vitro experimental studies (internal data) indicates that this missense variant is not expected to disrupt PMS2 function with a negative predictive value of 95%. In summary, the available evidence is currently insufficient to determine the role of this variant in disease. Therefore, it has been classified as a Variant of Uncertain Significance.

Ambry Genetics
Classification: Uncertain significance for Hereditary cancer-predisposing syndrome. Last evaluated: 2024-10-03. Review status: criteria provided, single submitter. Criteria: Ambry Variant Classification Scheme 2023. Collection method: clinical testing. Allele origin: germline.
Comment: The p.A737T variant (also known as c.2209G>A), located in coding exon 13 of the PMS2 gene, results from a G to A substitution at nucleotide position 2209. The alanine at codon 737 is replaced by threonine, an amino acid with similar properties. This amino acid position is not well conserved in available vertebrate species. In addition, this alteration is predicted to be tolerated by in silico analysis. Based on the available evidence, the clinical significance of this variant remains unclear.